The following is an entry in ClinVar:

NM_007294.4(BRCA1):c.4947A>C (p.Arg1649Ser)

Gene: BRCA1 (BRCA1 DNA repair associated; minus strand). Cytogenetic location: 17q21.31.
Variant type: single nucleotide variant.
Coding change: c.4947A>C on transcript NM_007294.4 (MANE Select); coding-DNA position 4947, A replaced by C.
Protein change: p.Arg1649Ser; replaces arginine 1649 with serine.
Molecular consequence: missense variant. On other transcripts: non-coding transcript variant (1).
Genome position (GRCh38, 1-based): chr17:43,070,967, T>G on the plus strand (A>C on the coding strand, the complement: BRCA1 is on the minus strand). VCF-style: chr17-43070967-T-G. GRCh37 (hg19) VCF-style: chr17-41222984-T-G.
Other names: c.4734A>C, p.Arg1578Ser (NM_001407571.1, NM_001407902.1, NM_001407904.1 and 12 more transcripts); c.5013A>C, p.Arg1671Ser (NM_001407581.1, NM_001407582.1); c.5010A>C, p.Arg1670Ser (NM_001407583.1, NM_001407585.1, NM_001407587.1 and 1 more transcripts); c.5007A>C, p.Arg1669Ser (NM_001407590.1, NM_001407591.1); c.4947A>C, p.Arg1649Ser (NM_001407593.1, NM_001407594.1, NM_001407596.1 and 8 more transcripts); c.4944A>C, p.Arg1648Ser (NM_001407610.1, NM_001407611.1, NM_001407612.1 and 17 more transcripts); c.4941A>C, p.Arg1647Ser (NM_001407630.1, NM_001407631.1, NM_001407632.1 and 14 more transcripts); c.4869A>C, p.Arg1623Ser (NM_001407653.1, NM_001407654.1, NM_001407655.1); and 70 more; short protein forms R545S, R1649S, R1602S, R1670S, R1520S, R1522S, R1536S, R1577S.
Identifiers: ClinVar variation 868867 (VCV000868867.4), dbSNP rs2052367562, ClinGen allele CA10591630.

ClinVar aggregate classification (germline): Uncertain significance (1 of 4 stars; one submission).

Conditions:
Hereditary breast ovarian cancer syndrome. Also called: Hereditary breast and ovarian cancer; Hereditary breast and ovarian cancer syndrome (HBOC); Breast and ovarian cancer; Hereditary breast and/or ovarian cancer syndrome; BRCA1- and BRCA2-Associated Hereditary Breast and Ovarian Cancer; Hereditary breast and ovarian cancer syndrome. Identifiers: Orphanet 145, MedGen C0677776, MeSH D061325, MONDO:0003582. Disease mechanism: loss of function.

Submissions (2):

Labcorp Genetics (formerly Invitae), Labcorp
Classification: Uncertain significance for Hereditary breast ovarian cancer syndrome. Last evaluated: 2025-07-18. Review status: criteria provided, single submitter. Criteria: Invitae Variant Classification Sherloc (09022015). Collection method: clinical testing. Allele origin: germline.
Comment: This sequence change replaces arginine, which is basic and polar, with serine, which is neutral and polar, at codon 1649 of the BRCA1 protein (p.Arg1649Ser). This variant is not present in population databases (gnomAD no frequency). This missense change has been observed in individual(s) with BRCA1-related conditions (PMID: 27376475). ClinVar contains an entry for this variant (Variation ID: 868867). Invitae Evidence Modeling incorporating data from in vitro experimental studies (PMID: 30209399) indicates that this missense variant is not expected to disrupt BRCA1 function with a negative predictive value of 95%. In summary, the available evidence is currently insufficient to determine the role of this variant in disease. Therefore, it has been classified as a Variant of Uncertain Significance.

Brotman Baty Institute, University of Washington
No classification provided (evidence only). Condition: Breast-ovarian cancer, familial 1. Review status: no classification provided. Collection method: in vitro. Allele origin: not applicable. Functional consequence: functionally_normal. Not counted in ClinVar's aggregate classification.
ClinVar note: "not provided" was previously submitted as the classification for the variant. However, the classification appeared to be based only on an observation of functional data so it was converted to no classification on 2025-07-30.

Literature cited by the submitters: PubMed 27376475 (cited by Labcorp Genetics (formerly Invitae), Labcorp); PubMed 30209399 (cited by Labcorp Genetics (formerly Invitae), Labcorp).